The following is an entry in ClinVar:

NM_000243.3(MEFV):c.*245G>A

Gene: MEFV (MEFV innate immunity regulator, pyrin; minus strand). Cytogenetic location: 16p13.3.
Variant type: single nucleotide variant.
Coding change: c.*245G>A on transcript NM_000243.3 (MANE Select); 245 bases downstream of the stop codon, G replaced by A.
Molecular consequence: 3 prime UTR variant.
Genome position (GRCh38, 1-based): chr16:3,242,896, C>T on the plus strand (G>A on the coding strand, the complement: MEFV is on the minus strand). VCF-style: chr16-3242896-C-T. GRCh37 (hg19) VCF-style: chr16-3292896-C-T.
Other names: c.*795G>A (NM_001198536.2).
Identifiers: ClinVar variation 224064 (VCV000224064.8), dbSNP rs2741919, ClinGen allele CA351242.
Genomic context (GRCh38, chr16:3,242,896, plus strand): 5'-GGCCAAATCTTCTGTTCAGGAGCACCTGAGAGTGCCACCCACCAGGGGCGGATTATGCAA[C>T]GACTCCGTACTTCCTCCTCTGAAATCCATGGTGTGTCATCAGTACATGTCTTCACCCGGA-3'

ClinVar aggregate classification (germline): Benign/Likely benign. Review status: criteria provided, multiple submitters, no conflicts (2 of 4 stars). 7 submissions from 5 submitters: Benign (5); Likely benign (2). Last evaluated 2023-02-08.

Conditions:
Acute febrile neutrophilic dermatosis (AFND). Also called: Sweet Syndrome; Gomm Button disease. Identifiers: Orphanet 3243, MedGen C0085077, MONDO:0011959, OMIM 608068.
Familial Mediterranean fever (FMF). Also called: POLYSEROSITIS, FAMILIAL PAROXYSMAL; POLYSEROSITIS, RECURRENT; Periodic peritonitis; Benign paroxysmal peritonitis. Identifiers: Orphanet 342, MedGen C0031069, MONDO:0018088, OMIM 249100. Disease mechanism: gain of function.
Familial Mediterranean fever, autosomal dominant. Also called: Dominant Familial Mediterranean Fever; FMF, AUTOSOMAL DOMINANT. Identifiers: Orphanet 342, MedGen C1851347, MONDO:0007601, OMIM 134610.

Allele frequency attached by ClinVar (database versions not stated): gnomAD 0.58215 and 0.58747; TOPMed 0.59304; 1000 Genomes Project 0.63978; 1000 Genomes Project 30x 0.64210; gnomAD exomes 0.58174.

Submissions (7):

Genome-Nilou Lab
Classification: Benign for Familial Mediterranean fever. Last evaluated: 2023-02-08. Review status: criteria provided, single submitter. Criteria: ACMG Guidelines, 2015. Collection method: clinical testing. Allele origin: germline.

Genome-Nilou Lab
Classification: Benign for Familial Mediterranean fever, autosomal dominant. Last evaluated: 2023-02-08. Review status: criteria provided, single submitter. Criteria: ACMG Guidelines, 2015. Collection method: clinical testing. Allele origin: germline.

Genome-Nilou Lab
Classification: Benign for Acute febrile neutrophilic dermatosis. Last evaluated: 2023-02-08. Review status: criteria provided, single submitter. Criteria: ACMG Guidelines, 2015. Collection method: clinical testing. Allele origin: germline.

GeneDx
Classification: Benign. Last evaluated: 2018-06-26. Review status: criteria provided, single submitter. Criteria: GeneDx Variant Classification Process June 2021. Collection method: clinical testing. Allele origin: germline. Affected: yes.

Illumina Laboratory Services, Illumina
Classification: Benign for Familial Mediterranean fever. Last evaluated: 2018-01-13. Review status: criteria provided, single submitter. Criteria: ICSL Variant Classification Criteria 13 December 2019. Collection method: clinical testing. Allele origin: germline.
Comment: This variant was observed in the ICSL laboratory as part of a predisposition screen in an ostensibly healthy population. It had not been previously curated by ICSL or reported in the Human Gene Mutation Database (HGMD: prior to June 1st, 2018), and was therefore a candidate for classification through an automated scoring system. Utilizing variant allele frequency, disease prevalence and penetrance estimates, and inheritance mode, an automated score was calculated to assess if this variant is too frequent to cause the disease. Based on the score and internal cut-off values, a variant classified as benign is not then subjected to further curation. The score for this variant resulted in a classification of benign for this disease.

Atomic Energy Commission of Syria (AECS)
Classification: Likely benign for Familial Mediterranean fever. Last evaluated: 2016-01-25. Review status: criteria provided, single submitter. Criteria: Livneh et al (Arthritis Rheum 1997). Collection method: case-control. Allele origin: somatic.

Breakthrough Genomics
Classification: Likely benign. Review status: criteria provided, single submitter. Criteria: ACMG Guidelines, 2015. Collection method: not provided. Allele origin: germline. Inheritance: Autosomal recessive inheritance. Affected: yes.